The following is an entry in ClinVar:

ClinVar aggregate classification (germline): Uncertain significance (1 of 4 stars; one submission).

Allele frequency attached by ClinVar (database versions not stated): gnomAD exomes below 0.00001.
gnomAD v4.1: 1 of 1,578,926 alleles (0.000063%); highest among the groups gnomAD compares: East Asian, 0.0023%; no homozygotes.

Submission:

Labcorp Genetics (formerly Invitae), Labcorp
Classification: Uncertain significance. Last evaluated: 2021-04-06. Review status: criteria provided, single submitter. Criteria: Invitae Variant Classification Sherloc (09022015). Collection method: clinical testing. Allele origin: germline.
Comment: This sequence change replaces arginine with lysine at codon 721 of the POLE protein (p.Arg721Lys). The arginine residue is weakly conserved and there is a small physicochemical difference between arginine and lysine. In summary, the available evidence is currently insufficient to determine the role of this variant in disease. Therefore, it has been classified as a Variant of Uncertain Significance. Algorithms developed to predict the effect of missense changes on protein structure and function output the following: SIFT: "Tolerated"; PolyPhen-2: "Benign"; Align-GVGD: "Class C0". The lysine amino acid residue is found in multiple mammalian species, suggesting that this missense change does not adversely affect protein function. These predictions have not been confirmed by published functional studies and their clinical significance is uncertain. This variant has not been reported in the literature in individuals with POLE-related conditions. This variant is not present in population databases (ExAC no frequency).

NM_006231.4(POLE):c.2162G>A (p.Arg721Lys)

Gene: POLE (DNA polymerase epsilon, catalytic subunit; minus strand). Cytogenetic location: 12q24.33.
Variant type: single nucleotide variant.
Coding change: c.2162G>A on transcript NM_006231.4 (MANE Select); coding-DNA position 2162, G replaced by A.
Protein change: p.Arg721Lys; replaces arginine 721 with lysine.
Molecular consequence: missense variant.
Genome position (GRCh38, 1-based): chr12:132,668,367, C>T on the plus strand (G>A on the coding strand, the complement: POLE is on the minus strand). VCF-style: chr12-132668367-C-T. GRCh37 (hg19) VCF-style: chr12-133244953-C-T.
Other names: short protein forms R721K.
Identifiers: ClinVar variation 1523799 (VCV001523799.8), dbSNP rs2135974539, ClinGen allele CA387353557.